The following is an entry in ClinVar:

ClinVar aggregate classification (germline): Uncertain significance (1 of 4 stars; one submission).

gnomAD v4.1: 6 of 1,612,590 alleles (0.00037%); highest among the groups gnomAD compares: Non-Finnish European, 0.00051%; no homozygotes.

Submission:

Labcorp Genetics (formerly Invitae), Labcorp
Classification: Uncertain significance. Last evaluated: 2026-01-05. Review status: criteria provided, single submitter. Criteria: Invitae Variant Classification Sherloc (09022015). Collection method: clinical testing. Allele origin: germline.
Comment: This sequence change replaces arginine, which is basic and polar, with glycine, which is neutral and non-polar, at codon 264 of the NDUFAF1 protein (p.Arg264Gly). This variant is not present in population databases (gnomAD no frequency). This variant has not been reported in the literature in individuals affected with NDUFAF1-related conditions. ClinVar contains an entry for this variant (Variation ID: 1975756). Invitae Evidence Modeling of protein sequence and biophysical properties (such as structural, functional, and spatial information, amino acid conservation, physicochemical variation, residue mobility, and thermodynamic stability) indicates that this missense variant is not expected to disrupt NDUFAF1 protein function with a negative predictive value of 80%. In summary, the available evidence is currently insufficient to determine the role of this variant in disease. Therefore, it has been classified as a Variant of Uncertain Significance.

NM_016013.4(NDUFAF1):c.790C>G (p.Arg264Gly)

Gene: NDUFAF1 (NADH:ubiquinone oxidoreductase complex assembly factor 1; minus strand). Cytogenetic location: 15q15.1.
Variant type: single nucleotide variant.
Coding change: c.790C>G on transcript NM_016013.4 (MANE Select); coding-DNA position 790, C replaced by G.
Protein change: p.Arg264Gly; replaces arginine 264 with glycine.
Molecular consequence: missense variant. On other transcripts: non-coding transcript variant (1).
Genome position (GRCh38, 1-based): chr15:41,388,492, G>C on the plus strand (C>G on the coding strand, the complement: NDUFAF1 is on the minus strand). VCF-style: chr15-41388492-G-C. GRCh37 (hg19) VCF-style: chr15-41680690-G-C.
Other names: short protein forms R264G.
Identifiers: ClinVar variation 1975756 (VCV001975756.5), dbSNP rs765203135, ClinGen allele CA269714601.